The following is an entry in ClinVar:

ClinVar aggregate classification (germline): Uncertain significance (1 of 4 stars; one submission).

Conditions:
Hereditary pancreatitis (PCTT). Also called: PRSS1-Related Hereditary Pancreatitis; Hereditary chronic pancreatitis. Identifiers: Orphanet 676, MedGen C0238339, MONDO:0008185, OMIM 167800.

Submission:

Ambry Genetics
Classification: Uncertain significance for Hereditary pancreatitis. Last evaluated: 2025-01-03. Review status: criteria provided, single submitter. Criteria: Ambry Variant Classification Scheme 2023. Collection method: clinical testing. Allele origin: germline.
Comment: The p.T106N variant (also known as c.317C>A), located in coding exon 4 of the CTRC gene, results from a C to A substitution at nucleotide position 317. The threonine at codon 106 is replaced by asparagine, an amino acid with similar properties. This amino acid position is conserved. In addition, this alteration is predicted to be tolerated by in silico analysis. Based on the available evidence, the clinical significance of this variant remains unclear.

NM_007272.3(CTRC):c.317C>A (p.Thr106Asn)

Gene: CTRC (chymotrypsin C; plus strand). Cytogenetic location: 1p36.21.
Variant type: single nucleotide variant.
Coding change: c.317C>A on transcript NM_007272.3 (MANE Select); coding-DNA position 317, C replaced by A.
Protein change: p.Thr106Asn; replaces threonine 106 with asparagine.
Molecular consequence: missense variant.
Genome position (GRCh38, 1-based): chr1:15,442,533, C>A. VCF-style: chr1-15442533-C-A. GRCh37 (hg19) VCF-style: chr1-15769029-C-A.
Other names: short protein forms T106N.
Identifiers: ClinVar variation 3837282 (VCV003837282.1).